The following is an entry in ClinVar:

NM_032043.3(BRIP1):c.444del (p.Asp149fs)

Gene: BRIP1 (BRCA1 interacting DNA helicase 1; minus strand). Cytogenetic location: 17q23.2.
Variant type: Deletion.
Coding change: c.444del on transcript NM_032043.3 (MANE Select); coding-DNA position 444, one base deleted (A; older notation c.444delA).
Protein change: p.Asp149fs; shifts the reading frame from aspartic acid 149.
Molecular consequence: frameshift variant.
Genome position (GRCh38, 1-based): chr17:61,849,192, T deleted on the plus strand (A on the coding strand, the reverse complement: BRIP1 is on the minus strand). VCF-style (leftmost placement, unchanged base first): chr17-61849191-CT-C. GRCh37 (hg19) VCF-style: chr17-59926552-CT-C.
Other names: short protein forms D149fs.
Identifiers: ClinVar variation 2583409 (VCV002583409.2), dbSNP rs2545420447, ClinGen allele CA2582342246.

ClinVar aggregate classification (germline): Pathogenic (1 of 4 stars; one submission).

Conditions:
Familial cancer of breast. Also called: Hereditary breast cancer; BREAST CANCER, FAMILIAL; hereditary breast carcinoma. Identifiers: Orphanet 227535, MedGen C0346153, MONDO:0016419, OMIM 114480. Disease mechanism: loss of function.

Submission:

Myriad Genetics, Inc.
Classification: Pathogenic for Familial cancer of breast. Last evaluated: 2023-05-31. Review status: criteria provided, single submitter. Criteria: Myriad Autosomal Dominant, Autosomal Recessive and X-Linked Classification Criteria (2023). Collection method: clinical testing. Allele origin: unknown.
Comment: This variant is considered pathogenic. This variant creates a frameshift predicted to result in premature protein truncation.